The following is an entry in ClinVar:

ClinVar aggregate classification (germline): Likely benign (0 of 4 stars; one submission).

Conditions:
MYF5-related disorder. Also called: MYF5-related condition.

Allele frequency attached by ClinVar (database versions not stated): 1000 Genomes Project 30x 0.00187; gnomAD 0.00197; ExAC 0.00205; TOPMed 0.00214; 1000 Genomes Project 0.00220; ESP Exome Variant Server 0.00231; gnomAD exomes 0.00236.
gnomAD v4.1: 3,727 of 1,613,722 alleles (0.23%); highest among the groups gnomAD compares: Middle Eastern, 0.71%; 9 homozygotes.

Submission:

PreventionGenetics, part of Exact Sciences
Classification: Likely benign for MYF5-related condition. Last evaluated: 2019-06-26. Review status: no assertion criteria provided. Collection method: clinical testing. Allele origin: germline.
Comment: This variant is classified as likely benign based on ACMG/AMP sequence variant interpretation guidelines (Richards et al. 2015 PMID: 25741868, with internal and published modifications).

NM_005593.3(MYF5):c.502-3T>C

Gene: MYF5 (myogenic factor 5; plus strand). Cytogenetic location: 12q21.31.
Variant type: single nucleotide variant.
Coding change: c.502-3T>C on transcript NM_005593.3 (MANE Select); 3 bases into the intron before coding-DNA position 502, T replaced by C.
Molecular consequence: intron variant.
Genome position (GRCh38, 1-based): chr12:80,718,355, T>C. VCF-style: chr12-80718355-T-C. GRCh37 (hg19) VCF-style: chr12-81112134-T-C.
Identifiers: ClinVar variation 3041472 (VCV003041472.2), dbSNP rs199672620, ClinGen allele CA6703320.